The following is an entry in ClinVar:

ClinVar aggregate classification (germline): Likely pathogenic (1 of 4 stars; one submission).

Conditions:
Inborn genetic diseases. Identifiers: MedGen C0950123, MeSH D030342.

Submission:

Ambry Genetics
Classification: Likely pathogenic for Inborn genetic diseases. Last evaluated: 2025-07-31. Review status: criteria provided, single submitter. Criteria: Ambry Variant Classification Scheme 2023. Collection method: clinical testing. Allele origin: germline.
Comment: The c.6663dup (p.L2222Vfs*20) alteration, located in exon 20 (coding exon 20) of the ARID1B gene, consists of a duplication of G at position 6663, causing a translational frameshift with a predicted alternate stop codon after 20 amino acids. Frameshift alterations are typically deleterious in nature (Richards, 2015). This variant is not expected to trigger nonsense-mediated mRNA decay, and impacts the last 1.24% of the protein. However, premature stop codons are typically deleterious in nature. This variant was not reported in population-based cohorts in the Genome Aggregation Database (gnomAD). This variant was reported heterozygous in an individual with features consistent with ARID1B-related Coffin-Siris syndrome; it was determined to be a de novo variant (Tan, 2022). Based on the available evidence, this alteration is classified as likely pathogenic.

Literature cited by the submitters: PubMed 36352633.

NM_020732.3:c.6663dup

Gene: ARID1B (AT-rich interaction domain 1B; plus strand).
Variant type: Duplication.
Other names: c.6663dup (NM_020732.3).
Identifiers: ClinVar variation 4143743 (VCV004143743.1).